The following is an entry in ClinVar:

ClinVar aggregate classification (germline): Uncertain significance (1 of 4 stars; one submission).

Submission:

Labcorp Genetics (formerly Invitae), Labcorp
Classification: Uncertain significance. Last evaluated: 2024-11-18. Review status: criteria provided, single submitter. Criteria: Invitae Variant Classification Sherloc (09022015). Collection method: clinical testing. Allele origin: germline.
Comment: This sequence change creates a premature translational stop signal (p.Ala340Argfs*163) in the DYRK1B gene. While this is not anticipated to result in nonsense mediated decay, it is expected to disrupt the last 290 amino acid(s) of the DYRK1B protein. This variant is not present in population databases (gnomAD no frequency). This variant has not been reported in the literature in individuals affected with DYRK1B-related conditions. Experimental studies and prediction algorithms are not available or were not evaluated, and the functional significance of this variant is currently unknown. In summary, the available evidence is currently insufficient to determine the role of this variant in disease. Therefore, it has been classified as a Variant of Uncertain Significance.

NM_004714.3(DYRK1B):c.1018del (p.Ala340fs)

Gene: DYRK1B (dual specificity tyrosine phosphorylation regulated kinase 1B; minus strand). Cytogenetic location: 19q13.2.
Variant type: Deletion.
Coding change: c.1018del on transcript NM_004714.3 (MANE Select); coding-DNA position 1018, one base deleted (G; older notation c.1018delG).
Protein change: p.Ala340fs; shifts the reading frame from alanine 340.
Molecular consequence: frameshift variant.
Genome position (GRCh38, 1-based): chr19:39,827,362, C deleted on the plus strand (G on the coding strand, the reverse complement: DYRK1B is on the minus strand); the first of 2 consecutive C bases (chr19:39,827,362-39,827,363); deleting either gives the same sequence. VCF-style (leftmost placement, unchanged base first): chr19-39827361-GC-G. GRCh37 (hg19) VCF-style: chr19-40318001-GC-G.
Other names: c.1018del, p.Ala340fs (NM_006483.3, NM_006484.3); short protein forms A340fs.
Identifiers: ClinVar variation 3672567 (VCV003672567.2).